The following is an entry in ClinVar:

ClinVar aggregate classification (germline): Uncertain significance (1 of 4 stars; one submission).

Allele frequency attached by ClinVar (database versions not stated): gnomAD exomes 0.00004; gnomAD 0.00001; TOPMed 0.00002; ExAC 0.00003.
gnomAD v4.1: 67 of 1,610,468 alleles (0.0042%); highest among the groups gnomAD compares: Non-Finnish European, 0.005%; no homozygotes.

Submission:

Labcorp Genetics (formerly Invitae), Labcorp
Classification: Uncertain significance. Last evaluated: 2025-03-22. Review status: criteria provided, single submitter. Criteria: Invitae Variant Classification Sherloc (09022015). Collection method: clinical testing. Allele origin: germline.
Comment: This sequence change falls in intron 19 of the ZMIZ1 gene. It does not directly change the encoded amino acid sequence of the ZMIZ1 protein. It affects a nucleotide within the consensus splice site. This variant is present in population databases (rs766789367, gnomAD 0.006%). This variant has not been reported in the literature in individuals affected with ZMIZ1-related conditions. ClinVar contains an entry for this variant (Variation ID: 2993434). Variants that disrupt the consensus splice site are a relatively common cause of aberrant splicing (PMID: 17576681, 9536098). Algorithms developed to predict the effect of sequence changes on RNA splicing suggest that this variant is not likely to affect RNA splicing. In summary, the available evidence is currently insufficient to determine the role of this variant in disease. Therefore, it has been classified as a Variant of Uncertain Significance.

Literature cited by the submitters: PubMed 17576681; PubMed 9536098.

NM_020338.4(ZMIZ1):c.2286+6C>T

Gene: ZMIZ1 (zinc finger MIZ-type containing 1; plus strand). Cytogenetic location: 10q22.3.
Variant type: single nucleotide variant.
Coding change: c.2286+6C>T on transcript NM_020338.4 (MANE Select); 6 bases into the intron after coding-DNA position 2286, C replaced by T.
Molecular consequence: intron variant.
Genome position (GRCh38, 1-based): chr10:79,304,181, C>T. VCF-style: chr10-79304181-C-T. GRCh37 (hg19) VCF-style: chr10-81063938-C-T.
Identifiers: ClinVar variation 2993434 (VCV002993434.3), dbSNP rs766789367, ClinGen allele CA5572949.